The following is an entry in ClinVar:

ClinVar aggregate classification (germline): Likely benign. Review status: criteria provided, multiple submitters, no conflicts (2 of 4 stars). 2 submissions from 2 submitters: Likely benign (2). Last evaluated 2026-09-21.

Conditions:
Cardiovascular phenotype. Identifiers: MedGen CN230736.

Allele frequency attached by ClinVar (database versions not stated): TOPMed below 0.00001; gnomAD 0.00001.
gnomAD v4.1: 13 of 1,612,198 alleles (0.00081%); highest among the groups gnomAD compares: South Asian, 0.0033%; no homozygotes.

Submissions (2):

Molecular Diagnostic Laboratory for Inherited Cardiovascular Disease, Montreal Heart Institute
Classification: Likely benign. Last evaluated: 2026-09-21. Review status: criteria provided, single submitter. Criteria: ACMG Guidelines, 2015. Collection method: clinical testing. Allele origin: germline. Affected: no.
Comment: BP7

Ambry Genetics
Classification: Likely benign for Cardiovascular phenotype. Last evaluated: 2023-03-20. Review status: criteria provided, single submitter. Criteria: Ambry Variant Classification Scheme 2023. Collection method: clinical testing. Allele origin: germline.

NM_022773.4(LMF1):c.915C>T (p.Ser305=)

Gene: LMF1 (lipase maturation factor 1; minus strand). Cytogenetic location: 16p13.3.
Variant type: single nucleotide variant.
Coding change: c.915C>T on transcript NM_022773.4 (MANE Select); coding-DNA position 915, C replaced by T.
Protein change: p.Ser305=; no amino-acid change (serine 305 retained).
Molecular consequence: synonymous variant. On other transcripts: non-coding transcript variant (1).
Genome position (GRCh38, 1-based): chr16:871,324, G>A on the plus strand (C>T on the coding strand, the complement: LMF1 is on the minus strand). VCF-style: chr16-871324-G-A. GRCh37 (hg19) VCF-style: chr16-921324-G-A.
Other names: c.264C>T, p.Ser88= (NM_001352017.2, NM_001352021.2); c.516C>T, p.Ser172= (NM_001352018.2); c.588C>T, p.Ser196= (NM_001352019.2); c.915C>T, p.Ser305= (NM_001352020.1).
Identifiers: ClinVar variation 2566284 (VCV002566284.3), dbSNP rs767942772, ClinGen allele CA7797271.